The following is an entry in ClinVar:

ClinVar aggregate classification (germline): Uncertain significance. Review status: criteria provided, multiple submitters, no conflicts (2 of 4 stars). 2 submissions from 2 submitters: Uncertain significance (2). Last evaluated 2025-11-26.

Conditions:
Hereditary cancer-predisposing syndrome. Also called: Hereditary Cancer Syndrome; Tumor predisposition; Hereditary neoplastic syndrome; Neoplastic Syndromes, Hereditary. Identifiers: Orphanet 140162, MedGen C0027672, MeSH D009386, MONDO:0015356.
Gorlin syndrome. Also called: Nevoid Basal Cell Carcinoma Syndrome; Basal cell nevus syndrome. Identifiers: Orphanet 377, MedGen C0004779, MONDO:0007187.

Allele frequency attached by ClinVar (database versions not stated): TOPMed below 0.00001.

Submissions (2):

Ambry Genetics
Classification: Uncertain significance for Hereditary cancer-predisposing syndrome. Last evaluated: 2025-11-26. Review status: criteria provided, single submitter. Criteria: Ambry Variant Classification Scheme 2023. Collection method: clinical testing. Allele origin: germline.
Comment: The p.D850H variant (also known as c.2548G>C), located in coding exon 15 of the PTCH1 gene, results from a G to C substitution at nucleotide position 2548. The aspartic acid at codon 850 is replaced by histidine, an amino acid with similar properties. This amino acid position is highly conserved in available vertebrate species. In addition, this alteration is predicted to be deleterious by in silico analysis. Based on the available evidence, the clinical significance of this variant remains unclear.

Labcorp Genetics (formerly Invitae), Labcorp
Classification: Uncertain significance for Gorlin syndrome. Last evaluated: 2020-07-27. Review status: criteria provided, single submitter. Criteria: Invitae Variant Classification Sherloc (09022015). Collection method: clinical testing. Allele origin: germline.
Comment: In summary, the available evidence is currently insufficient to determine the role of this variant in disease. Therefore, it has been classified as a Variant of Uncertain Significance. Algorithms developed to predict the effect of missense changes on protein structure and function are either unavailable or do not agree on the potential impact of this missense change (SIFT: "Tolerated"; PolyPhen-2: "Probably Damaging"; Align-GVGD: "Class C0"). This variant has not been reported in the literature in individuals with PTCH1-related conditions. This variant is not present in population databases (ExAC no frequency). This sequence change replaces aspartic acid with histidine at codon 850 of the PTCH1 protein (p.Asp850His). The aspartic acid residue is moderately conserved and there is a moderate physicochemical difference between aspartic acid and histidine.

NM_000264.5(PTCH1):c.2548G>C (p.Asp850His)

Genes: PTCH1 (patched 1; minus strand), LOC100507346 (uncharacterized LOC100507346; plus strand). Cytogenetic location: 9q22.32.
Variant type: single nucleotide variant.
Coding change: c.2548G>C on transcript NM_000264.5 (MANE Select); coding-DNA position 2548, G replaced by C.
Protein change: p.Asp850His; replaces aspartic acid 850 with histidine.
Molecular consequence: missense variant. On other transcripts: non-coding transcript variant (2).
Genome position (GRCh38, 1-based): chr9:95,467,128, C>G on the plus strand (G>C on the coding strand, the complement: PTCH1 is on the minus strand). VCF-style: chr9-95467128-C-G. GRCh37 (hg19) VCF-style: chr9-98229410-C-G.
Other names: c.2350G>C, p.Asp784His (NM_001083602.3); c.2545G>C, p.Asp849His (NM_001083603.3); c.2095G>C, p.Asp699His (NM_001083604.3, NM_001083605.3, NM_001083606.3 and 1 more transcripts); c.2392G>C, p.Asp798His (NM_001354918.2); c.2548G>C (NM_000264.3); short protein forms D699H, D784H, D798H, D849H, D850H.
Identifiers: ClinVar variation 1055344 (VCV001055344.10), dbSNP rs41313327, ClinGen allele CA374113709.